The following is an entry in ClinVar:

NM_001366385.1(CARD14):c.2258C>A (p.Thr753Asn)

Genes: SGSH (N-sulfoglucosamine sulfohydrolase; minus strand), CARD14 (caspase recruitment domain family member 14; plus strand). Cytogenetic location: 17q25.3.
Variant type: single nucleotide variant.
Coding change: c.2258C>A on transcript NM_001366385.1 (MANE Select); coding-DNA position 2258, C replaced by A.
Protein change: p.Thr753Asn; replaces threonine 753 with asparagine.
Molecular consequence: missense variant. On other transcripts: non-coding transcript variant (1).
Genome position (GRCh38, 1-based): chr17:80,203,860, C>A. VCF-style: chr17-80203860-C-A. GRCh37 (hg19) VCF-style: chr17-78177659-C-A.
Other names: c.2258C>A, p.Thr753Asn (NM_024110.4); short protein forms T753N.
Identifiers: ClinVar variation 3751405 (VCV003751405.2).

ClinVar aggregate classification (germline): Uncertain significance (1 of 4 stars; one submission).

Conditions:
Pityriasis rubra pilaris (PRP). Also called: Pityriasis rubra pilaris--familial type. Identifiers: Orphanet 2897, MedGen C0032027, MONDO:0100017, OMIM 173200, MONDO:0008251.
Psoriasis 2. Identifiers: MedGen C1864497, MONDO:0011269, OMIM 602723.

gnomAD v4.1: 4 of 1,596,308 alleles (0.00025%); highest among the groups gnomAD compares: Admixed American, 0.0035%; no homozygotes.

Submission:

Labcorp Genetics (formerly Invitae), Labcorp
Classification: Uncertain significance for Pityriasis rubra pilaris; Psoriasis 2. Last evaluated: 2024-12-24. Review status: criteria provided, single submitter. Criteria: Invitae Variant Classification Sherloc (09022015). Collection method: clinical testing. Allele origin: germline.
Comment: This sequence change replaces threonine, which is neutral and polar, with asparagine, which is neutral and polar, at codon 753 of the CARD14 protein (p.Thr753Asn). The frequency data for this variant in the population databases is considered unreliable, as metrics indicate poor data quality at this position in the gnomAD database. This variant has not been reported in the literature in individuals affected with CARD14-related conditions. Invitae Evidence Modeling of protein sequence and biophysical properties (such as structural, functional, and spatial information, amino acid conservation, physicochemical variation, residue mobility, and thermodynamic stability) indicates that this missense variant is not expected to disrupt CARD14 protein function with a negative predictive value of 95%. In summary, the available evidence is currently insufficient to determine the role of this variant in disease. Therefore, it has been classified as a Variant of Uncertain Significance.